The following is an entry in ClinVar:

ClinVar aggregate classification (germline): Uncertain significance. Review status: criteria provided, multiple submitters, no conflicts (2 of 4 stars). 2 submissions from 2 submitters: Uncertain significance (2). Last evaluated 2025-10-29.

Conditions:
Cardiovascular phenotype. Identifiers: MedGen CN230736.
Brugada syndrome 8 (BRGDA8). Identifiers: Orphanet 130, MedGen C2751083, MONDO:0013148, OMIM 613123.

Allele frequency attached by ClinVar (database versions not stated): gnomAD 0.00001; TOPMed 0.00001; gnomAD exomes 0.00004.
gnomAD v4.1: 49 of 1,489,830 alleles (0.0033%); highest among the groups gnomAD compares: Non-Finnish European, 0.0042%; no homozygotes.

Submissions (2):

Labcorp Genetics (formerly Invitae), Labcorp
Classification: Uncertain significance for Brugada syndrome 8. Last evaluated: 2025-10-29. Review status: criteria provided, single submitter. Criteria: Invitae Variant Classification Sherloc (09022015). Collection method: clinical testing. Allele origin: germline.
Comment: This sequence change replaces aspartic acid, which is acidic and polar, with glutamic acid, which is acidic and polar, at codon 2 of the HCN4 protein (p.Asp2Glu). This variant is not present in population databases (gnomAD no frequency). This variant has not been reported in the literature in individuals affected with HCN4-related conditions. ClinVar contains an entry for this variant (Variation ID: 1391146). Invitae Evidence Modeling of protein sequence and biophysical properties (such as structural, functional, and spatial information, amino acid conservation, physicochemical variation, residue mobility, and thermodynamic stability) indicates that this missense variant is not expected to disrupt HCN4 protein function with a negative predictive value of 95%. In summary, the available evidence is currently insufficient to determine the role of this variant in disease. Therefore, it has been classified as a Variant of Uncertain Significance.

Ambry Genetics
Classification: Uncertain significance for Cardiovascular phenotype. Last evaluated: 2021-11-30. Review status: criteria provided, single submitter. Criteria: Ambry Variant Classification Scheme 2023. Collection method: clinical testing. Allele origin: germline.

NM_005477.3(HCN4):c.6C>G (p.Asp2Glu)

Gene: HCN4 (hyperpolarization activated cyclic nucleotide gated potassium channel 4; minus strand). Cytogenetic location: 15q24.1.
Variant type: single nucleotide variant.
Coding change: c.6C>G on transcript NM_005477.3 (MANE Select); coding-DNA position 6, C replaced by G.
Protein change: p.Asp2Glu; replaces aspartic acid 2 with glutamic acid.
Molecular consequence: missense variant.
Genome position (GRCh38, 1-based): chr15:73,368,265, G>C on the plus strand (C>G on the coding strand, the complement: HCN4 is on the minus strand). VCF-style: chr15-73368265-G-C. GRCh37 (hg19) VCF-style: chr15-73660606-G-C.
Other names: short protein forms D2E.
Identifiers: ClinVar variation 1391146 (VCV001391146.8), dbSNP rs1230881569, ClinGen allele CA393099289.